The following is an entry in ClinVar:

ClinVar aggregate classification (germline): Uncertain significance (1 of 4 stars; one submission).

Conditions:
Transcobalamin II deficiency (TCN2D). Also called: TC II DEFICIENCY; TCN2 DEFICIENCY; Transcolabamin II deficiency. Identifiers: Orphanet 859, MedGen C0342701, MONDO:0010149, OMIM 275350.

Submission:

Labcorp Genetics (formerly Invitae), Labcorp
Classification: Uncertain significance for Transcobalamin II deficiency. Last evaluated: 2025-06-30. Review status: criteria provided, single submitter. Criteria: Invitae Variant Classification Sherloc (09022015). Collection method: clinical testing. Allele origin: germline.
Comment: This sequence change replaces proline, which is neutral and non-polar, with serine, which is neutral and polar, at codon 150 of the TCN2 protein (p.Pro150Ser). This variant is present in population databases (no rsID available, gnomAD 0.003%). This variant has not been reported in the literature in individuals affected with TCN2-related conditions. An algorithm developed to predict the effect of missense changes on protein structure and function (PolyPhen-2) suggests that this variant is likely to be tolerated. In summary, the available evidence is currently insufficient to determine the role of this variant in disease. Therefore, it has been classified as a Variant of Uncertain Significance.

NM_000355.4(TCN2):c.448C>T (p.Pro150Ser)

Gene: TCN2 (transcobalamin 2; plus strand). Cytogenetic location: 22q12.2.
Variant type: single nucleotide variant.
Coding change: c.448C>T on transcript NM_000355.4 (MANE Select); coding-DNA position 448, C replaced by T.
Protein change: p.Pro150Ser; replaces proline 150 with serine.
Molecular consequence: missense variant.
Genome position (GRCh38, 1-based): chr22:30,614,369, C>T. VCF-style: chr22-30614369-C-T. GRCh37 (hg19) VCF-style: chr22-31010356-C-T.
Other names: c.367C>T, p.Pro123Ser (NM_001184726.2); short protein forms P150S, P123S.
Identifiers: ClinVar variation 4695479 (VCV004695479.1).